The following is an entry in ClinVar:

NM_000414.4(HSD17B4):c.1630_1633dup (p.Leu545fs)

Gene: HSD17B4 (hydroxysteroid 17-beta dehydrogenase 4; plus strand). Cytogenetic location: 5q23.1.
Variant type: Microsatellite.
Coding change: c.1630_1633dup on transcript NM_000414.4 (MANE Select); coding-DNA positions 1630 to 1633, 4 bases duplicated (GTGT; older notation c.1630_1633dupGTGT).
Protein change: p.Leu545fs; shifts the reading frame from leucine 545.
Molecular consequence: frameshift variant. On other transcripts: non-coding transcript variant (2).
Genome position (GRCh38, 1-based): chr5:119,525,973-119,525,976, GTGT duplicated; duplicating any 4 consecutive bases within chr5:119,525,971-119,525,976 gives the same sequence; the c. name uses the placement nearest the transcript's 3' end. VCF-style (leftmost placement, unchanged base first): chr5-119525970-C-CGTGT. GRCh37 (hg19) VCF-style: chr5-118861665-C-CGTGT.
Other names: c.1705_1708dup, p.Leu570fs (NM_001199291.3); c.1576_1579dup, p.Leu527fs (NM_001199292.2); c.1558_1561dup, p.Leu521fs (NM_001292027.2, NM_001374498.1); c.1210_1213dup, p.Leu405fs (NM_001292028.2); c.1621_1624dup, p.Leu542fs (NM_001374497.1); c.1303_1306dup, p.Leu436fs (NM_001374499.1); c.1189_1192dup, p.Leu398fs (NM_001374500.1); c.1219_1222dup, p.Leu408fs (NM_001374501.1, NM_001374502.1, NM_001374503.1); short protein forms L545fs, L521fs, L527fs, L570fs, L405fs, L398fs, L408fs, L436fs.
Identifiers: ClinVar variation 371505 (VCV000371505.10), dbSNP rs1057517323, ClinGen allele CA16040971.

ClinVar aggregate classification (germline): Pathogenic/Likely pathogenic. Review status: criteria provided, multiple submitters, no conflicts (2 of 4 stars). 3 submissions from 3 submitters: Pathogenic (1); Likely pathogenic (1). 1 of the submissions does not count toward it. Last evaluated 2022-09-16.

Conditions:
Bifunctional peroxisomal enzyme deficiency (DBIF). Also called: DBP DEFICIENCY; PBFE DEFICIENCY; D-bifunctional protein deficiency. Identifiers: Orphanet 300, MedGen C0342870, MONDO:0009855, OMIM 261515. Disease mechanism: loss of function.
Perrault syndrome. Also called: Gonadal dysgenesis with auditory dysfunction, autosomal recessive inheritance. Identifiers: Orphanet 2855, MedGen C0685838, MONDO:0017312.

Submissions (3):

Baylor Genetics
Classification: Likely pathogenic for Bifunctional peroxisomal enzyme deficiency. Last evaluated: 2022-09-16. Review status: criteria provided, single submitter. Criteria: ACMG Guidelines, 2015. Collection method: clinical testing. Allele origin: unknown.

Labcorp Genetics (formerly Invitae), Labcorp
Classification: Pathogenic for Perrault syndrome; Bifunctional peroxisomal enzyme deficiency. Last evaluated: 2021-03-27. Review status: criteria provided, single submitter. Criteria: Invitae Variant Classification Sherloc (09022015). Collection method: clinical testing. Allele origin: germline.
Comment: For these reasons, this variant has been classified as Pathogenic. Loss-of-function variants in HSD17B4 are known to be pathogenic (PMID: 11810648, 16385454). This variant has not been reported in the literature in individuals with HSD17B4-related conditions. ClinVar contains an entry for this variant (Variation ID: 371505). This variant is not present in population databases (ExAC no frequency). This sequence change creates a premature translational stop signal (p.Leu545Cysfs*8) in the HSD17B4 gene. It is expected to result in an absent or disrupted protein product.

Counsyl
Classification: Likely pathogenic for Bifunctional peroxisomal enzyme deficiency. Last evaluated: 2016-10-05. Review status: no assertion criteria provided. Collection method: clinical testing. Allele origin: unknown. Not counted in ClinVar's aggregate classification.

Literature cited by the submitters: PubMed 11810648 (cited by Labcorp Genetics (formerly Invitae), Labcorp); PubMed 16385454 (cited by Labcorp Genetics (formerly Invitae), Labcorp).